The following is an entry in ClinVar:

NM_145725.3(TRAF3):c.1012C>T (p.Arg338Trp)

Gene: TRAF3 (TNF receptor associated factor 3; plus strand). Cytogenetic location: 14q32.32.
Variant type: single nucleotide variant.
Coding change: c.1012C>T on transcript NM_145725.3 (MANE Select); coding-DNA position 1012, C replaced by T.
Protein change: p.Arg338Trp; replaces arginine 338 with tryptophan.
Molecular consequence: missense variant.
Genome position (GRCh38, 1-based): chr14:102,903,306, C>T. VCF-style: chr14-102903306-C-T. GRCh37 (hg19) VCF-style: chr14-103369643-C-T.
Other names: c.763C>T, p.Arg255Trp (NM_001199427.2); c.871C>T, p.Arg291Trp (NM_001385142.1); c.931C>T, p.Arg311Trp (NM_001385143.1); c.1012C>T, p.Arg338Trp (NM_003300.4); c.937C>T, p.Arg313Trp (NM_145726.3); short protein forms R255W, R291W, R311W, R313W, R338W.
Identifiers: ClinVar variation 1003569 (VCV001003569.9), dbSNP rs748039383, ClinGen allele CA7359483.

ClinVar aggregate classification (germline): Uncertain significance (1 of 4 stars; one submission).

Conditions:
Immunodeficiency 132A. Also called: Herpes simplex encephalitis, susceptibility to, 3. Identifiers: Orphanet 1930, MedGen C3553868, MONDO:0013920, OMIM 614849.

Allele frequency attached by ClinVar (database versions not stated): gnomAD exomes 0.00004 and 0.00003; gnomAD 0.00001 and 0.00002; TOPMed 0.00002; ExAC 0.00003.
gnomAD v4.1: 56 of 1,614,176 alleles (0.0035%); highest among the groups gnomAD compares: Middle Eastern, 0.082%; no homozygotes.

Submission:

Labcorp Genetics (formerly Invitae), Labcorp
Classification: Uncertain significance for Immunodeficiency 132A. Last evaluated: 2025-07-20. Review status: criteria provided, single submitter. Criteria: Invitae Variant Classification Sherloc (09022015). Collection method: clinical testing. Allele origin: germline.
Comment: This sequence change replaces arginine, which is basic and polar, with tryptophan, which is neutral and slightly polar, at codon 338 of the TRAF3 protein (p.Arg338Trp). This variant is present in population databases (rs748039383, gnomAD 0.009%). This missense change has been observed in individual(s) with recurrent pulmonary nontuberculous mycobacteria infection (PMID: 36004314). ClinVar contains an entry for this variant (Variation ID: 1003569). An algorithm developed to predict the effect of missense changes on protein structure and function (PolyPhen-2) suggests that this variant is likely to be tolerated. Experimental studies have shown that this missense change affects TRAF3 function (PMID: 36004314). In summary, the available evidence is currently insufficient to determine the role of this variant in disease. Therefore, it has been classified as a Variant of Uncertain Significance.

Literature cited by the submitters: PubMed 36004314.